The following is an entry in ClinVar:

NM_005956.4(MTHFD1):c.1754G>A (p.Arg585Lys)

Gene: MTHFD1 (methylenetetrahydrofolate dehydrogenase, cyclohydrolase and formyltetrahydrofolate synthetase 1; plus strand). Cytogenetic location: 14q23.3.
Variant type: single nucleotide variant.
Coding change: c.1754G>A on transcript NM_005956.4 (MANE Select); coding-DNA position 1754, G replaced by A.
Protein change: p.Arg585Lys; replaces arginine 585 with lysine.
Molecular consequence: missense variant.
Genome position (GRCh38, 1-based): chr14:64,440,205, G>A. VCF-style: chr14-64440205-G-A. GRCh37 (hg19) VCF-style: chr14-64906923-G-A.
Other names: c.1754G>A, p.Arg585Lys (NM_001364837.1); short protein forms R585K.
Identifiers: ClinVar variation 1372778 (VCV001372778.6), dbSNP rs1280425087, ClinGen allele CA389995598.

ClinVar aggregate classification (germline): Uncertain significance (1 of 4 stars; one submission).

Allele frequency attached by ClinVar (database versions not stated): gnomAD exomes below 0.00001.

Submission:

Labcorp Genetics (formerly Invitae), Labcorp
Classification: Uncertain significance. Last evaluated: 2023-11-27. Review status: criteria provided, single submitter. Criteria: Invitae Variant Classification Sherloc (09022015). Collection method: clinical testing. Allele origin: germline.
Comment: This sequence change replaces arginine, which is basic and polar, with lysine, which is basic and polar, at codon 585 of the MTHFD1 protein (p.Arg585Lys). This variant is not present in population databases (gnomAD no frequency). This variant has not been reported in the literature in individuals affected with MTHFD1-related conditions. ClinVar contains an entry for this variant (Variation ID: 1372778). Advanced modeling of protein sequence and biophysical properties (such as structural, functional, and spatial information, amino acid conservation, physicochemical variation, residue mobility, and thermodynamic stability) performed at Invitae indicates that this missense variant is not expected to disrupt MTHFD1 protein function with a negative predictive value of 80%. In summary, the available evidence is currently insufficient to determine the role of this variant in disease. Therefore, it has been classified as a Variant of Uncertain Significance.